The following is an entry in ClinVar:

ClinVar aggregate classification (germline): Conflicting classifications of pathogenicity. Review status: criteria provided, conflicting classifications (1 of 4 stars). 16 submissions from 16 submitters: Uncertain significance (5); Benign (1); Likely benign (7). 3 of the submissions do not count toward it. Last evaluated 2026-03-20.

Conditions:
Hereditary nonpolyposis colon cancer (HNPCC). Also called: Hereditary Nonpolyposis Colorectal Cancer Syndrome; Hereditary nonpolyposis colorectal cancer; Familial nonpolyposis colon cancer. Identifiers: Orphanet 443909, MedGen C1333990, MONDO:0018630. Disease mechanism: loss of function.
Hereditary cancer-predisposing syndrome. Also called: Tumor predisposition; Neoplastic Syndromes, Hereditary; Hereditary Cancer Syndrome; Hereditary neoplastic syndrome. Identifiers: Orphanet 140162, MedGen C0027672, MeSH D009386, MONDO:0015356.
Familial cancer of breast. Also called: hereditary breast carcinoma; Hereditary breast cancer; BREAST CANCER, FAMILIAL. Identifiers: Orphanet 227535, MedGen C0346153, MONDO:0016419, OMIM 114480. Disease mechanism: loss of function.

Allele frequency attached by ClinVar (database versions not stated): gnomAD exomes 0.00009 and 0.00027; ExAC 0.00033; 1000 Genomes Project 0.00040; 1000 Genomes Project 30x 0.00109.

Submissions (16):

Women's Health and Genetics/Laboratory Corporation of America, LabCorp
Classification: Likely benign. Last evaluated: 2026-03-20. Review status: criteria provided, single submitter. Criteria: LabCorp Variant Classification Summary - May 2015. Collection method: clinical testing. Allele origin: germline.
Comment: Variant summary: CHEK2 c.1604G>A (p.Arg535His) results in a non-conservative amino acid change in the encoded protein sequence. Algorithms developed to predict the effect of missense changes on protein structure and function are either unavailable or do not agree on the potential impact of this missense change. The variant allele was found at a frequency of 0.00027 in 233674 control chromosomes, predominantly at a frequency of 0.002 within the South Asian subpopulation in the gnomAD database, including 1 homozygote. The observed variant frequency within South Asian control individuals in the gnomAD database exceeds the estimated maximal expected allele frequency for disease-causing variants in CHEK2. c.1604G>A has been observed in individuals affected with breast cancer and other tumor phenotypes, but was also found in several controls (e.g. Ow_2014, Fujita_2020, Fonfria_2021, Dorling_2021, Stolarova_2023). These reports do not provide unequivocal conclusions about association of the variant with Hereditary Breast And Ovarian Cancer Syndrome. Publications also reported experimental evidence evaluating an impact on protein function, and in a yeast-based functional assay, the variant was reported to have intermediate function (Delimitsou_2019), while in a later study, using a human cell-line the variant had kinase activity similar to the WT (Stolarova_2023). The following publications have been ascertained in the context of this evaluation (PMID: 30851065, 33471991, 34204722, 33309985, 24879340, 37449874). ClinVar contains an entry for this variant (Variation ID: 128067). Based on the evidence outlined above, the variant was classified as likely benign.

Labcorp Genetics (formerly Invitae), Labcorp
Classification: Likely benign for Familial cancer of breast. Last evaluated: 2025-12-18. Review status: criteria provided, single submitter. Criteria: Invitae Variant Classification Sherloc (09022015). Collection method: clinical testing. Allele origin: germline.

GeneDx
Classification: Uncertain significance. Last evaluated: 2025-04-04. Review status: criteria provided, single submitter. Criteria: GeneDx Variant Classification Process June 2021. Collection method: clinical testing. Allele origin: germline. Affected: yes.
Comment: In silico analysis indicates that this missense variant does not alter protein structure/function; Also known as c.1733G>A p.R578H; This variant is associated with the following publications: (PMID: 24879340, 36315097, 34204722, 33309985, 30287823, 37449874, 30851065, 27498913)

Center for Genomic Medicine, Rigshospitalet, Copenhagen University Hospital
Classification: Uncertain significance. Last evaluated: 2025-03-04. Review status: criteria provided, single submitter. Criteria: ACMG Guidelines, 2015. Collection method: clinical testing. Allele origin: germline.

Department of Pathology and Laboratory Medicine, Sinai Health System
Classification: Uncertain significance for hereditary nonpolyposis colon cancer. Last evaluated: 2024-09-04. Review status: criteria provided, single submitter. Criteria: ACMG Guidelines, 2015. Collection method: clinical testing. Allele origin: germline.

Quest Diagnostics Nichols Institute San Juan Capistrano
Classification: Likely benign. Last evaluated: 2023-07-14. Review status: criteria provided, single submitter. Criteria: Quest Diagnostics criteria. Collection method: clinical testing. Allele origin: unknown.

Institute for Biomarker Research, Medical Diagnostic Laboratories, L.L.C.
Classification: Benign for Hereditary cancer-predisposing syndrome. Last evaluated: 2023-03-30. Review status: criteria provided, single submitter. Criteria: ACMG Guidelines, 2015. Collection method: clinical testing. Allele origin: germline.

Myriad Genetics, Inc.
Classification: Likely benign for Familial cancer of breast. Last evaluated: 2023-03-09. Review status: criteria provided, single submitter. Criteria: Myriad Autosomal Dominant, Autosomal Recessive and X-Linked Classification Criteria (2023). Collection method: clinical testing. Allele origin: unknown.
Comment: This variant is considered likely benign. This variant is strongly associated with less severe personal and family histories of cancer, typical for individuals without pathogenic variants in this gene [PMID: 25085752].

Ambry Genetics
Classification: Likely benign for Hereditary cancer-predisposing syndrome. Last evaluated: 2023-03-08. Review status: criteria provided, single submitter. Criteria: Ambry Variant Classification Scheme 2023. Collection method: clinical testing. Allele origin: germline.

Genetic Services Laboratory, University of Chicago
Classification: Uncertain significance. Last evaluated: 2021-11-22. Review status: criteria provided, single submitter. Criteria: ACMG Guidelines, 2015. Collection method: clinical testing. Allele origin: germline. Affected: no.
Comment: This sequence change does not appear to have been previously described in individuals with CHEK2-related disorders. This sequence change has been described in the gnomAD database with a frequency of 0.20% in the South Asian subpopulation (dbSNP rs544216926). The p.Arg535His change affects a poorly conserved amino acid residue located in a domain of the CHEK2 protein that is not known to be functional. In-silico pathogenicity prediction tools (SIFT, PolyPhen2, Align GVGD, REVEL) provide contradictory results for the p.Arg535His substitution. Due to insufficient evidence and the lack of functional studies, the clinical significance of the p.Arg535His change remains unknown at this time.

Sema4
Classification: Likely benign for Hereditary cancer-predisposing syndrome. Last evaluated: 2021-07-13. Review status: criteria provided, single submitter. Criteria: Sema4 Curation Guidelines. Collection method: curation. Allele origin: germline.

Color Diagnostics, LLC DBA Color Health
Classification: Likely benign for Hereditary cancer-predisposing syndrome. Last evaluated: 2017-06-22. Review status: criteria provided, single submitter. Criteria: ACMG Guidelines, 2015. Collection method: clinical testing. Allele origin: germline.

Neuberg Centre For Genomic Medicine, NCGM
Classification: Uncertain significance for Familial cancer of breast. Review status: criteria provided, single submitter. Criteria: ACMG Guidelines, 2015. Collection method: clinical testing. Allele origin: germline. Inheritance: Autosomal dominant inheritance. Affected: yes.
Comment: The missense c.1604G>Ap.Arg535His variant in CHEK2 gene has been reported previously in individuals affected with cancer Fonfria M, et al., 2021. Functional studies show that the variant has intermediate function Delimitsou A, et al., 2019. The p.Arg535His variant has been reported with allele frequency of 0.03% in gnomAD Exomes. This variant has been reported to the ClinVar database as Likely Benign / Uncertain Significance. The amino acid change p.Arg535His in CHEK2 is predicted as conserved by GERP++ and PhyloP across 100 vertebrates. The amino acid Arg at position 535 is changed to a His changing protein sequence and it might alter its composition and physico-chemical properties. However, additional functional studies will be required to prove the pathogenicity of this variant. For these reasons, this variant has been classified as a Variant of Uncertain Significance VUS.

Counsyl
Classification: Uncertain significance for Familial cancer of breast. Last evaluated: 2016-08-15. Review status: no assertion criteria provided. Collection method: clinical testing. Allele origin: unknown. Not counted in ClinVar's aggregate classification.

Diagnostic Laboratory, Department of Genetics, University Medical Center Groningen
Classification: Likely benign. Review status: no assertion criteria provided. Collection method: clinical testing. Allele origin: germline. Affected: yes. Study: VKGL Data-share Consensus. Not counted in ClinVar's aggregate classification.

Laboratory of Diagnostic Genome Analysis, Leiden University Medical Center (LUMC)
Classification: Likely benign. Review status: no assertion criteria provided. Collection method: clinical testing. Allele origin: germline. Affected: yes. Study: VKGL Data-share Consensus. Not counted in ClinVar's aggregate classification.

Literature cited by the submitters: PubMed 30851065 (cited by 5 submitters); PubMed 33309985 (cited by Women's Health and Genetics/Laboratory Corporation of America, LabCorp and Quest Diagnostics Nichols Institute San Juan Capistrano); PubMed 33471991 (cited by 3 submitters); PubMed 34204722 (cited by 3 submitters); PubMed 24879340 (cited by Women's Health and Genetics/Laboratory Corporation of America, LabCorp); PubMed 37449874 (cited by Women's Health and Genetics/Laboratory Corporation of America, LabCorp); PubMed 30287823 (cited by 3 submitters); PubMed 36315097 (cited by Department of Pathology and Laboratory Medicine, Sinai Health System and Quest Diagnostics Nichols Institute San Juan Capistrano); PubMed 25085752 (cited by Myriad Genetics, Inc.).

NM_007194.4(CHEK2):c.1604G>A (p.Arg535His)

Gene: CHEK2 (checkpoint kinase 2; minus strand). Cytogenetic location: 22q12.1.
Variant type: single nucleotide variant.
Coding change: c.1604G>A on transcript NM_007194.4 (MANE Select); coding-DNA position 1604, G replaced by A.
Protein change: p.Arg535His; replaces arginine 535 with histidine.
Molecular consequence: missense variant.
Genome position (GRCh38, 1-based): chr22:28,687,925, C>T on the plus strand (G>A on the coding strand, the complement: CHEK2 is on the minus strand). VCF-style: chr22-28687925-C-T. GRCh37 (hg19) VCF-style: chr22-29083913-C-T.
Other names: p.R535H:CGC>CAC; c.1733G>A, p.Arg578His (NM_001005735.3); c.941G>A, p.Arg314His (NM_001257387.3); c.1403G>A, p.Arg468His (NM_001349956.3); c.1517G>A, p.Arg506His (NM_145862.3); short protein forms R535H, R468H, R314H, R506H, R578H.
Identifiers: ClinVar variation 128067 (VCV000128067.40), dbSNP rs544216926, ClinGen allele CA288296.
Genomic context (GRCh38, chr22:28,687,925, plus strand): 5'-GGTACATTTCTTTCGTGTTCAAACCACGGAGTTCACAACACAGCAGCACACACAGCTGGG[C>T]GCTTTGTGGTCTCGGCACCCTCGGCTTCCCCTTCACGGGGCCGCTTTCGACTAGTAGAAG-3'
Protein context (NP_009125.1, residues 525-543): GEAEGAETTK[Arg535His]PAVCAAVL